The following is an entry in ClinVar:

NM_003383.5(VLDLR):c.83-337G>C

Gene: VLDLR (very low density lipoprotein receptor; plus strand). Cytogenetic location: 9p24.2.
Variant type: single nucleotide variant.
Coding change: c.83-337G>C on transcript NM_003383.5 (MANE Select); 337 bases into the intron before coding-DNA position 83, G replaced by C.
Molecular consequence: intron variant.
Genome position (GRCh38, 1-based): chr9:2,635,116, G>C. VCF-style: chr9-2635116-G-C. GRCh37 (hg19) VCF-style: chr9-2635116-G-C.
Other names: c.83-337G>C (NM_001018056.3, NM_001322225.2, NM_001322226.2).
Identifiers: ClinVar variation 667583 (VCV000667583.1), dbSNP rs7030221, ClinGen allele CA12946831.

ClinVar aggregate classification (germline): Benign (1 of 4 stars; one submission).

Allele frequency attached by ClinVar (database versions not stated): TOPMed 0.26751; gnomAD 0.26985; 1000 Genomes Project 0.18510; 1000 Genomes Project 30x 0.18957.

Submission:

GeneDx
Classification: Benign. Last evaluated: 2018-06-19. Review status: criteria provided, single submitter. Criteria: GeneDx Variant Classification (06012015). Collection method: clinical testing. Allele origin: germline. Affected: yes.
Comment: This variant is considered likely benign or benign based on one or more of the following criteria: it is a conservative change, it occurs at a poorly conserved position in the protein, it is predicted to be benign by multiple in silico algorithms, and/or has population frequency not consistent with disease.